The following is an entry in ClinVar:

ClinVar aggregate classification (germline): Uncertain significance (1 of 4 stars; one submission).

Conditions:
Hereditary cancer-predisposing syndrome. Also called: Neoplastic Syndromes, Hereditary; Tumor predisposition; Hereditary neoplastic syndrome; Hereditary Cancer Syndrome. Identifiers: Orphanet 140162, MedGen C0027672, MeSH D009386, MONDO:0015356.

Submission:

Ambry Genetics
Classification: Uncertain significance for Hereditary cancer-predisposing syndrome. Last evaluated: 2023-02-15. Review status: criteria provided, single submitter. Criteria: Ambry Variant Classification Scheme 2023. Collection method: clinical testing. Allele origin: germline.
Comment: The p.S1371T variant (also known as c.4111T>A), located in coding exon 33 of the TSC2 gene, results from a T to A substitution at nucleotide position 4111. The serine at codon 1371 is replaced by threonine, an amino acid with similar properties. This amino acid position is conserved. In addition, the in silico prediction for this alteration is inconclusive. Since supporting evidence is limited at this time, the clinical significance of this alteration remains unclear.

NM_000548.5(TSC2):c.4111T>A (p.Ser1371Thr)

Gene: TSC2 (TSC complex subunit 2; plus strand). Cytogenetic location: 16p13.3.
Variant type: single nucleotide variant.
Coding change: c.4111T>A on transcript NM_000548.5 (MANE Select); coding-DNA position 4111, T replaced by A.
Protein change: p.Ser1371Thr; replaces serine 1371 with threonine.
Molecular consequence: missense variant. On other transcripts: non-coding transcript variant (5).
Genome position (GRCh38, 1-based): chr16:2,084,333, T>A. VCF-style: chr16-2084333-T-A. GRCh37 (hg19) VCF-style: chr16-2134334-T-A.
Other names: c.2566T>A, p.Ser856Thr (NM_001406696.1, NM_001406697.1, NM_001406695.1); c.2308T>A, p.Ser770Thr (NM_001406698.1); c.3982T>A, p.Ser1328Thr (NM_021055.3, NM_001370405.1); c.3910T>A, p.Ser1304Thr (NM_001077183.3); c.4042T>A, p.Ser1348Thr (NM_001114382.3); c.3802T>A, p.Ser1268Thr (NM_001318827.2); c.3766T>A, p.Ser1256Thr (NM_001318829.2); c.3379T>A, p.Ser1127Thr (NM_001318831.2); and 26 more; short protein forms S1147T, S1267T, S1327T, S1328T, S857T, S879T, S900T, S1105T.
Identifiers: ClinVar variation 2449995 (VCV002449995.2), dbSNP rs1463203351, ClinGen allele CA394299514.
Genomic context (GRCh38, chr16:2,084,333, plus strand): 5'-GAGCTGGTTGGCAGGGGCATCCCCATCGAGCGAGTCGTCTCCTCGGAGGGTGGCCGGCCC[T>A]CTGTGGACCTCTCCTTCCAGCCCTCGCAGCCCCTGAGCAAGTCCAGCTCCTCTCCCGAGC-3'
Protein context (NP_000539.2, residues 1361-1381): RVVSSEGGRP[Ser1371Thr]VDLSFQPSQP